The following is an entry in ClinVar:

NM_016169.4(SUFU):c.1085G>T (p.Arg362Leu)

Gene: SUFU (SUFU negative regulator of hedgehog signaling; plus strand). Cytogenetic location: 10q24.32.
Variant type: single nucleotide variant.
Coding change: c.1085G>T on transcript NM_016169.4 (MANE Select); coding-DNA position 1085, G replaced by T.
Protein change: p.Arg362Leu; replaces arginine 362 with leucine.
Molecular consequence: missense variant.
Genome position (GRCh38, 1-based): chr10:102,615,330, G>T. VCF-style: chr10-102615330-G-T. GRCh37 (hg19) VCF-style: chr10-104375087-G-T.
Other names: c.1085G>T, p.Arg362Leu (NM_001178133.2); short protein forms R362L.
Identifiers: ClinVar variation 453952 (VCV000453952.12), dbSNP rs755390277, ClinGen allele CA377914079.

ClinVar aggregate classification (germline): Uncertain significance. Review status: criteria provided, multiple submitters, no conflicts (2 of 4 stars). 2 submissions from 2 submitters: Uncertain significance (2). Last evaluated 2023-11-14.

Conditions:
Gorlin syndrome. Also called: Basal cell nevus syndrome; Nevoid Basal Cell Carcinoma Syndrome. Identifiers: Orphanet 377, MedGen C0004779, MONDO:0007187.
Medulloblastoma (MDB). Also called: Medulloblastoma, somatic; MEDULLOBLASTOMA PREDISPOSITION SYNDROME. Identifiers: Orphanet 616, MedGen C0025149, MeSH D008527, MONDO:0007959, OMIM 155255, HP:0002885.
Hereditary cancer-predisposing syndrome. Also called: Hereditary Cancer Syndrome; Hereditary neoplastic syndrome; Tumor predisposition; Neoplastic Syndromes, Hereditary. Identifiers: Orphanet 140162, MedGen C0027672, MeSH D009386, MONDO:0015356.

Submissions (2):

Ambry Genetics
Classification: Uncertain significance for Hereditary cancer-predisposing syndrome. Last evaluated: 2023-11-14. Review status: criteria provided, single submitter. Criteria: Ambry Variant Classification Scheme 2023. Collection method: clinical testing. Allele origin: germline.
Comment: The p.R362L variant (also known as c.1085G>T), located in coding exon 9 of the SUFU gene, results from a G to T substitution at nucleotide position 1085. The arginine at codon 362 is replaced by leucine, an amino acid with dissimilar properties. This amino acid position is conserved. In addition, this alteration is predicted to be deleterious by in silico analysis. Since supporting evidence is limited at this time, the clinical significance of this alteration remains unclear.

Labcorp Genetics (formerly Invitae), Labcorp
Classification: Uncertain significance for Gorlin syndrome; Medulloblastoma. Last evaluated: 2022-09-01. Review status: criteria provided, single submitter. Criteria: Invitae Variant Classification Sherloc (09022015). Collection method: clinical testing. Allele origin: germline.
Comment: In summary, the available evidence is currently insufficient to determine the role of this variant in disease. Therefore, it has been classified as a Variant of Uncertain Significance. Algorithms developed to predict the effect of missense changes on protein structure and function are either unavailable or do not agree on the potential impact of this missense change (SIFT: "Deleterious"; PolyPhen-2: "Possibly Damaging"; Align-GVGD: "Class C0"). ClinVar contains an entry for this variant (Variation ID: 453952). This variant has not been reported in the literature in individuals affected with SUFU-related conditions. This variant is not present in population databases (gnomAD no frequency). This sequence change replaces arginine, which is basic and polar, with leucine, which is neutral and non-polar, at codon 362 of the SUFU protein (p.Arg362Leu).